The following is an entry in ClinVar:

ClinVar aggregate classification (germline): Benign. Review status: criteria provided, multiple submitters, no conflicts (2 of 4 stars). 2 submissions from 2 submitters: Benign (2). Last evaluated 2018-06-16.

Allele frequency attached by ClinVar (database versions not stated): gnomAD exomes 0.10075 and 0.13770; ESP Exome Variant Server 0.11994; gnomAD 0.13373 and 0.13537; TOPMed 0.14530; ExAC 0.15317; 1000 Genomes Project 0.18790; 1000 Genomes Project 30x 0.19019.
gnomAD v4.1: 166,566 of 1,592,038 alleles (10%); highest among the groups gnomAD compares: Admixed American, 23%; 10,354 homozygotes.

Submissions (2):

GeneDx
Classification: Benign. Last evaluated: 2018-06-16. Review status: criteria provided, single submitter. Criteria: GeneDx Variant Classification (06012015). Collection method: clinical testing. Allele origin: germline. Affected: yes.
Comment: This variant is considered likely benign or benign based on one or more of the following criteria: it is a conservative change, it occurs at a poorly conserved position in the protein, it is predicted to be benign by multiple in silico algorithms, and/or has population frequency not consistent with disease.

Breakthrough Genomics
Classification: Benign. Review status: criteria provided, single submitter. Criteria: ACMG Guidelines, 2015. Collection method: not provided. Allele origin: germline. Inheritance: Autosomal dominant inheritance. Affected: yes.

NM_001098511.3(KIF2A):c.1761-24T>C

Gene: KIF2A (kinesin family member 2A; plus strand). Cytogenetic location: 5q12.1.
Variant type: single nucleotide variant.
Coding change: c.1761-24T>C on transcript NM_001098511.3 (MANE Select); 24 bases into the intron before coding-DNA position 1761, T replaced by C.
Molecular consequence: intron variant.
Genome position (GRCh38, 1-based): chr5:62,373,663, T>C. VCF-style: chr5-62373663-T-C. GRCh37 (hg19) VCF-style: chr5-61669490-T-C.
Other names: c.1566-24T>C (NM_001243952.2); c.1647-24T>C (NM_004520.5); c.1590-24T>C (NM_001243953.2).
Identifiers: ClinVar variation 682885 (VCV000682885.2), dbSNP rs73104056, ClinGen allele CA3279049.